The following is an entry in ClinVar:

NM_014974.3(DIP2C):c.2951C>T (p.Pro984Leu)

Gene: DIP2C (disco interacting protein 2 homolog C; minus strand). Cytogenetic location: 10p15.3.
Variant type: single nucleotide variant.
Coding change: c.2951C>T on transcript NM_014974.3 (MANE Select); coding-DNA position 2951, C replaced by T.
Protein change: p.Pro984Leu; replaces proline 984 with leucine.
Molecular consequence: missense variant.
Genome position (GRCh38, 1-based): chr10:356,460, G>A on the plus strand (C>T on the coding strand, the complement: DIP2C is on the minus strand). VCF-style: chr10-356460-G-A. GRCh37 (hg19) VCF-style: chr10-402400-G-A.
Other names: short protein forms P984L.
Identifiers: ClinVar variation 3342744 (VCV003342744.1).
Genomic context (GRCh38, chr10:356,460, plus strand): 5'-CAGGGAAGGCCAGCTCCGCGCCTCACCCGACAGTTGAGCAGCGTGTAGAGGATGTGGTCC[G>A]GGGTGGTCTGTGCTCTCCACTGCAAGACCTCTGAGAGGAACAGGAACTGGAACAGAGCAC-3'
Protein context (NP_055789.1, residues 974-994): EVLQWRAQTT[Pro984Leu]DHILYTLLNC

ClinVar aggregate classification (germline): Uncertain significance (1 of 4 stars; one submission).

gnomAD v4.1: 1 of 1,612,122 alleles (0.000062%); no homozygotes.

Submission:

GeneDx
Classification: Uncertain significance. Last evaluated: 2022-12-01. Review status: criteria provided, single submitter. Criteria: GeneDx Variant Classification Process June 2021. Collection method: clinical testing. Allele origin: germline. Affected: yes.
Comment: In silico analysis supports that this missense variant has a deleterious effect on protein structure/function; Has not been previously published as pathogenic or benign to our knowledge; Variants in candidate genes are classified as variants of uncertain significance in accordance with ACMG guidelines (Richards et al., 2015)